The following is an entry in ClinVar:

ClinVar aggregate classification (germline): Uncertain significance (1 of 4 stars; one submission).

Conditions:
Familial thoracic aortic aneurysm and aortic dissection (TAAD). Also called: Thoracic aortic aneurysms and dissections. Identifiers: Orphanet 91387, MedGen C4707243, MONDO:0019625.

Submission:

Color Diagnostics, LLC DBA Color Health
Classification: Uncertain significance for Familial thoracic aortic aneurysm and aortic dissection. Last evaluated: 2025-06-17. Review status: criteria provided, single submitter. Criteria: ACMG Guidelines, 2015. Collection method: clinical testing. Allele origin: germline.
Comment: This variant changes 1 nucleotide in exon 38 of the MYH11 gene, creating a premature translation stop signal. This variant is expected to result in an absent or non-functional protein product. To our knowledge, this variant has not been reported in individuals affected with MYH11-related disorders in the literature. This variant has not been identified in the general population by the Genome Aggregation Database (gnomAD). Clinical relevance of loss-of-function MYH11 truncation variants in autosomal dominant cardiovascular disorders is not clearly established. The available evidence is insufficient to determine the role of this variant in disease conclusively. Therefore, this variant is classified as a Variant of Uncertain Significance.

NM_002474.3(MYH11):c.5218C>T (p.Gln1740Ter)

Genes: MYH11 (myosin heavy chain 11; minus strand), NDE1 (nudE neurodevelopment protein 1; plus strand). Cytogenetic location: 16p13.11.
Variant type: single nucleotide variant.
Coding change: c.5218C>T on transcript NM_002474.3 (MANE Select); coding-DNA position 5218, C replaced by T.
Protein change: p.Gln1740Ter; replaces glutamine 1740 with a stop codon.
Molecular consequence: nonsense. On other transcripts: intron variant (2).
Genome position (GRCh38, 1-based): chr16:15,718,392, G>A on the plus strand (C>T on the coding strand, the complement: MYH11 is on the minus strand). VCF-style: chr16-15718392-G-A. GRCh37 (hg19) VCF-style: chr16-15812249-G-A.
Other names: c.5239C>T, p.Gln1747Ter (NM_001040113.2, NM_001040114.2); c.5218C>T, p.Gln1740Ter (NM_022844.3); c.948-5799G>A (NM_001143979.2, NM_017668.3); short protein forms Q1740*, Q1747*.
Identifiers: ClinVar variation 4758785 (VCV004758785.1).